The following is an entry in ClinVar:

ClinVar aggregate classification (germline): Pathogenic (1 of 4 stars; one submission).

Conditions:
Glycogen storage disease IXb (GSD9B). Also called: GLYCOGENOSIS OF LIVER AND MUSCLE, AUTOSOMAL RECESSIVE; GSD IXb; PHOSPHORYLASE KINASE DEFICIENCY OF LIVER AND MUSCLE, AUTOSOMAL RECESSIVE. Identifiers: Orphanet 79240, MedGen C0543514, MONDO:0009868, OMIM 261750.

Submission:

Labcorp Genetics (formerly Invitae), Labcorp
Classification: Pathogenic for Glycogen storage disease IXb. Last evaluated: 2023-12-19. Review status: criteria provided, single submitter. Criteria: Invitae Variant Classification Sherloc (09022015). Collection method: clinical testing. Allele origin: unknown.
Comment: This variant is a gross deletion of the genomic region encompassing exon(s) 2-6 of the PHKB gene. This deletion is out-of-frame, and is expected to create a premature termination codon and result in an absent or disrupted protein product. Loss-of-function variants in PHKB are known to be pathogenic (PMID: 9215682, 9326319). This variant has not been reported in the literature in individuals affected with PHKB-related conditions. For these reasons, this variant has been classified as Pathogenic.

Literature cited by the submitters: PubMed 9215682; PubMed 9326319.

NC_000016.9:g.(?_47531290)_(47549532_?)del

Gene: PHKB (phosphorylase kinase regulatory subunit beta; plus strand). Cytogenetic location: 16q12.1.
Variant type: Deletion.
Identifiers: ClinVar variation 3243389 (VCV003243389.1).